The following is an entry in ClinVar:

ClinVar aggregate classification (germline): Uncertain significance (1 of 4 stars; one submission).

Conditions:
Hyperprolinemia type 2 (HYRPRO2). Also called: Delta-1-pyrroline-5-carboxylate dehydrogenase deficiency; 1-PYRROLINE-5-CARBOXYLATE DEHYDROGENASE DEFICIENCY; Deficiency of pyrroline-5-carboxylate reductase. Identifiers: Orphanet 79101, MedGen C2931835, MONDO:0009401, OMIM 239510.

Allele frequency attached by ClinVar (database versions not stated): ExAC 0.00002; TOPMed 0.00002; ESP Exome Variant Server 0.00008.

Submission:

Labcorp Genetics (formerly Invitae), Labcorp
Classification: Uncertain significance for Hyperprolinemia type 2. Last evaluated: 2022-11-08. Review status: criteria provided, single submitter. Criteria: Invitae Variant Classification Sherloc (09022015). Collection method: clinical testing. Allele origin: germline.
Comment: In summary, the available evidence is currently insufficient to determine the role of this variant in disease. Therefore, it has been classified as a Variant of Uncertain Significance. Algorithms developed to predict the effect of missense changes on protein structure and function are either unavailable or do not agree on the potential impact of this missense change (SIFT: "Deleterious"; PolyPhen-2: "Possibly Damaging"; Align-GVGD: "Class C0"). This variant has not been reported in the literature in individuals affected with ALDH4A1-related conditions. This variant is present in population databases (rs368287797, gnomAD 0.01%). This sequence change replaces isoleucine, which is neutral and non-polar, with threonine, which is neutral and polar, at codon 160 of the ALDH4A1 protein (p.Ile160Thr).

NM_003748.4(ALDH4A1):c.479T>C (p.Ile160Thr)

Gene: ALDH4A1 (aldehyde dehydrogenase 4 family member A1; minus strand). Cytogenetic location: 1p36.13.
Variant type: single nucleotide variant.
Coding change: c.479T>C on transcript NM_003748.4 (MANE Select); coding-DNA position 479, T replaced by C.
Protein change: p.Ile160Thr; replaces isoleucine 160 with threonine.
Molecular consequence: missense variant.
Genome position (GRCh38, 1-based): chr1:18,883,403, A>G on the plus strand (T>C on the coding strand, the complement: ALDH4A1 is on the minus strand). VCF-style: chr1-18883403-A-G. GRCh37 (hg19) VCF-style: chr1-19209897-A-G.
Other names: c.299T>C, p.Ile100Thr (NM_001161504.2); c.479T>C, p.Ile160Thr (NM_001319218.2, NM_170726.3); short protein forms I100T, I160T.
Identifiers: ClinVar variation 2140045 (VCV002140045.2), dbSNP rs368287797, ClinGen allele CA647344.
Genomic context (GRCh38, chr1:18,883,403, plus strand): 5'-AGCTCCACCGCATACTTGGCATTGAACCGGAAGAAGTCGATGAGTTCCGCTGCAGCGTCA[A>G]TCTCCGCTTGGATCACGGTCTTACCCTGCAAGGCAGAGGGCCGGGGGTCAGGAGCAGCCA-3'
Protein context (NP_003739.2, residues 150-170): GQGKTVIQAE[Ile160Thr]DAAAELIDFF